The following is an entry in ClinVar:

ClinVar aggregate classification (germline): Uncertain significance (1 of 4 stars; one submission).

Conditions:
Osteogenesis imperfecta type I (OI1). Also called: Lobstein disease; Osteogenesis imperfecta type 1; Lobstein's Disease; OI, TYPE I; OSTEOGENESIS IMPERFECTA TARDA; OSTEOGENESIS IMPERFECTA WITH BLUE SCLERAE. Identifiers: Orphanet 216796, Orphanet 666, MedGen C0023931, MONDO:0008146, OMIM 166200. Disease mechanism: loss of function.

gnomAD v4.1: 2 of 1,613,752 alleles (0.00012%); highest among the groups gnomAD compares: Non-Finnish European, 0.00017%; no homozygotes.

Submission:

Labcorp Genetics (formerly Invitae), Labcorp
Classification: Uncertain significance for Osteogenesis imperfecta type I. Last evaluated: 2025-01-21. Review status: criteria provided, single submitter. Criteria: Invitae Variant Classification Sherloc (09022015). Collection method: clinical testing. Allele origin: germline.
Comment: This sequence change replaces aspartic acid, which is acidic and polar, with tyrosine, which is neutral and polar, at codon 1261 of the COL1A1 protein (p.Asp1261Tyr). This variant is not present in population databases (gnomAD no frequency). This variant has not been reported in the literature in individuals affected with COL1A1-related conditions. Invitae Evidence Modeling of protein sequence and biophysical properties (such as structural, functional, and spatial information, amino acid conservation, physicochemical variation, residue mobility, and thermodynamic stability) indicates that this missense variant is expected to disrupt COL1A1 protein function with a positive predictive value of 95%. In summary, the available evidence is currently insufficient to determine the role of this variant in disease. Therefore, it has been classified as a Variant of Uncertain Significance.

NM_000088.4(COL1A1):c.3781G>T (p.Asp1261Tyr)

Gene: COL1A1 (collagen type I alpha 1 chain; minus strand). Cytogenetic location: 17q21.33.
Variant type: single nucleotide variant.
Coding change: c.3781G>T on transcript NM_000088.4 (MANE Select); coding-DNA position 3781, G replaced by T.
Protein change: p.Asp1261Tyr; replaces aspartic acid 1261 with tyrosine.
Molecular consequence: missense variant.
Genome position (GRCh38, 1-based): chr17:50,186,673, C>A on the plus strand (G>T on the coding strand, the complement: COL1A1 is on the minus strand). VCF-style: chr17-50186673-C-A. GRCh37 (hg19) VCF-style: chr17-48264034-C-A.
Other names: short protein forms D1261Y.
Identifiers: ClinVar variation 3603457 (VCV003603457.2).